The following is an entry in ClinVar:

ClinVar aggregate classification (germline): Uncertain significance. Review status: criteria provided, multiple submitters, no conflicts (2 of 4 stars). 2 submissions from 2 submitters: Uncertain significance (2). Last evaluated 2025-02-12.

Conditions:
Familial hemiplegic migraine. Identifiers: MedGen C0338484, MONDO:0000700.

Submissions (2):

Labcorp Genetics (formerly Invitae), Labcorp
Classification: Uncertain significance for Familial hemiplegic migraine. Last evaluated: 2025-02-12. Review status: criteria provided, single submitter. Criteria: Invitae Variant Classification Sherloc (09022015). Collection method: clinical testing. Allele origin: germline.
Comment: This sequence change replaces leucine, which is neutral and non-polar, with glutamine, which is neutral and polar, at codon 951 of the ATP1A2 protein (p.Leu951Gln). This variant is not present in population databases (gnomAD no frequency). This variant has not been reported in the literature in individuals affected with ATP1A2-related conditions. ClinVar contains an entry for this variant (Variation ID: 2662080). Invitae Evidence Modeling of protein sequence and biophysical properties (such as structural, functional, and spatial information, amino acid conservation, physicochemical variation, residue mobility, and thermodynamic stability) has been performed for this missense variant. However, the output from this modeling did not meet the statistical confidence thresholds required to predict the impact of this variant on ATP1A2 protein function. In summary, the available evidence is currently insufficient to determine the role of this variant in disease. Therefore, it has been classified as a Variant of Uncertain Significance.

GeneDx
Classification: Uncertain significance. Last evaluated: 2023-05-01. Review status: criteria provided, single submitter. Criteria: GeneDx Variant Classification Process June 2021. Collection method: clinical testing. Allele origin: germline. Affected: yes.
Comment: Not observed at significant frequency in large population cohorts (gnomAD); In silico analysis supports that this missense variant has a deleterious effect on protein structure/function; Has not been previously published as pathogenic or benign to our knowledge

NM_000702.4(ATP1A2):c.2852T>A (p.Leu951Gln)

Gene: ATP1A2 (ATPase Na+/K+ transporting subunit alpha 2; plus strand). Cytogenetic location: 1q23.2.
Variant type: single nucleotide variant.
Coding change: c.2852T>A on transcript NM_000702.4 (MANE Select); coding-DNA position 2852, T replaced by A.
Protein change: p.Leu951Gln; replaces leucine 951 with glutamine.
Molecular consequence: missense variant.
Genome position (GRCh38, 1-based): chr1:160,139,651, T>A. VCF-style: chr1-160139651-T-A. GRCh37 (hg19) VCF-style: chr1-160109441-T-A.
Other names: short protein forms L951Q.
Identifiers: ClinVar variation 2662080 (VCV002662080.2), dbSNP rs2524898232, ClinGen allele CA343254908.